The following is an entry in ClinVar:

ClinVar aggregate classification (germline): Uncertain significance. Review status: criteria provided, multiple submitters, no conflicts (2 of 4 stars). 2 submissions from 2 submitters: Uncertain significance (2). Last evaluated 2026-03-10.

Conditions:
Hereditary spastic paraplegia 43. Also called: Spastic paraplegia 43, autosomal recessive. Identifiers: Orphanet 320370, MedGen C2680446, MONDO:0014024, OMIM 615043.
C19orf12-related disorder. Also called: C19orf12-related condition.

Allele frequency attached by ClinVar (database versions not stated): gnomAD exomes 0.00001; ExAC 0.00002.
gnomAD v4.1: 7 of 1,613,832 alleles (0.00043%); highest among the groups gnomAD compares: South Asian, 0.0066%; no homozygotes.

Submissions (2):

PreventionGenetics, part of Exact Sciences
Classification: Uncertain significance for C19orf12-related condition. Last evaluated: 2026-03-10. Review status: criteria provided, single submitter. Criteria: ACMG Guidelines, 2015. Collection method: clinical testing. Allele origin: germline.
Comment: The C19orf12 c.439G>A variant is predicted to result in the amino acid substitution p.Glu147Lys. To our knowledge, this variant has not been reported in the literature. This variant is reported in 0.0065% of alleles in individuals of South Asian descent in gnomAD. At this time, the clinical significance of this variant is uncertain due to the absence of conclusive functional and genetic evidence.

Labcorp Genetics (formerly Invitae), Labcorp
Classification: Uncertain significance for Hereditary spastic paraplegia 43. Last evaluated: 2022-10-24. Review status: criteria provided, single submitter. Criteria: Invitae Variant Classification Sherloc (09022015). Collection method: clinical testing. Allele origin: germline.
Comment: In summary, the available evidence is currently insufficient to determine the role of this variant in disease. Therefore, it has been classified as a Variant of Uncertain Significance. Algorithms developed to predict the effect of missense changes on protein structure and function (SIFT, PolyPhen-2, Align-GVGD) all suggest that this variant is likely to be tolerated. This variant has not been reported in the literature in individuals affected with C19orf12-related conditions. This variant is present in population databases (rs765393360, gnomAD 0.006%). This sequence change replaces glutamic acid, which is acidic and polar, with lysine, which is basic and polar, at codon 147 of the C19orf12 protein (p.Glu147Lys).

NM_031448.6(C19orf12):c.406G>A (p.Glu136Lys)

Gene: C19orf12 (chromosome 19 open reading frame 12; minus strand). Cytogenetic location: 19q12.
Variant type: single nucleotide variant.
Coding change: c.406G>A on transcript NM_031448.6 (MANE Select); coding-DNA position 406, G replaced by A.
Protein change: p.Glu136Lys; replaces glutamic acid 136 with lysine.
Molecular consequence: missense variant. On other transcripts: 3 prime UTR variant (1).
Genome position (GRCh38, 1-based): chr19:29,702,732, C>T on the plus strand (G>A on the coding strand, the complement: C19orf12 is on the minus strand). VCF-style: chr19-29702732-C-T. GRCh37 (hg19) VCF-style: chr19-30193639-C-T.
Other names: c.406G>A, p.Glu136Lys (NM_001031726.4, NM_001256047.2); c.*27G>A (NM_001256046.3); c.214G>A, p.Glu72Lys (NM_001282929.1, NM_001282930.3, NM_001282931.3); c.439G>A (NM_001031726.3); short protein forms E136K, E72K.
Identifiers: ClinVar variation 2413364 (VCV002413364.7), dbSNP rs765393360, ClinGen allele CA9351864.
Genomic context (GRCh38, chr19:29,702,732, plus strand): 5'-AGTCATTTAAAGGGGCCCCCCACCTCCCCGGAGGTGCGGCCTAGTCATCATACTGGATCT[C>T]GGCCCGCAGCTCCTTGGTGACGTAGTTCACCAGCATGGCCAGCAGCTGCTGCTGCAGGGC-3'
Protein context (NP_113636.2, residues 126-141): VNYVTKELRA[Glu136Lys]IQYDD